The following is an entry in ClinVar:

NM_173651.4(FSIP2):c.14565T>G (p.Ile4855Met)

Gene: FSIP2 (fibrous sheath interacting protein 2; plus strand). Cytogenetic location: 2q32.1.
Variant type: single nucleotide variant.
Coding change: c.14565T>G on transcript NM_173651.4 (MANE Select); coding-DNA position 14565, T replaced by G.
Protein change: p.Ile4855Met; replaces isoleucine 4855 with methionine.
Molecular consequence: missense variant.
Genome position (GRCh38, 1-based): chr2:185,803,871, T>G. VCF-style: chr2-185803871-T-G. GRCh37 (hg19) VCF-style: chr2-186668598-T-G.
Other names: short protein forms I4855M.
Identifiers: ClinVar variation 2562376 (VCV002562376.11), dbSNP rs912953497, ClinGen allele CA61754224.

ClinVar aggregate classification (germline): Uncertain significance. Review status: criteria provided, multiple submitters, no conflicts (2 of 4 stars). 2 submissions from 2 submitters: Uncertain significance (2). Last evaluated 2025-08-01.

Allele frequency attached by ClinVar (database versions not stated): gnomAD 0.00001; gnomAD exomes 0.00001; TOPMed 0.00007.
gnomAD v4.1: 17 of 1,523,228 alleles (0.0011%); highest among the groups gnomAD compares: East Asian, 0.027%; no homozygotes.

Submissions (2):

CeGaT Center for Human Genetics Tuebingen
Classification: Uncertain significance. Last evaluated: 2025-08-01. Review status: criteria provided, single submitter. Criteria: CeGaT Center For Human Genetics Tuebingen Variant Classification Criteria Version 2. Collection method: clinical testing. Allele origin: germline. Affected: yes. Observed: 1 variant allele.
Comment: FSIP2: PM2

Ambry Genetics
Classification: Uncertain significance. Last evaluated: 2025-06-07. Review status: criteria provided, single submitter. Criteria: Ambry Variant Classification Scheme 2023. Collection method: clinical testing. Allele origin: germline.